The following is an entry in ClinVar:

ClinVar aggregate classification (germline): Pathogenic (1 of 4 stars; one submission).

Conditions:
3-methylcrotonyl-CoA carboxylase 2 deficiency. Also called: METHYLCROTONYLGLYCINURIA, TYPE II; 3 alpha methylcrotonyl-CoA carboxylase 2 deficiency; 3 alpha methylcrotonylglycinuria 2; MCC 2 deficiency; Methylcrotonylglycinuria type 2. Identifiers: Orphanet 6, MedGen C1859499, MONDO:0008862, OMIM 210210.

Submission:

Labcorp Genetics (formerly Invitae), Labcorp
Classification: Pathogenic for 3-methylcrotonyl-CoA carboxylase 2 deficiency. Last evaluated: 2025-12-08. Review status: criteria provided, single submitter. Criteria: Invitae Variant Classification Sherloc (09022015). Collection method: clinical testing. Allele origin: germline.
Comment: This sequence change creates a premature translational stop signal (p.Leu178Phefs*95) in the MCCC2 gene. It is expected to result in an absent or disrupted protein product. Loss-of-function variants in MCCC2 are known to be pathogenic (PMID: 11181649, 22642865). This variant is present in population databases (no rsID available, gnomAD 0.007%). This variant has not been reported in the literature in individuals affected with MCCC2-related conditions. For these reasons, this variant has been classified as Pathogenic.

Literature cited by the submitters: PubMed 11181649; PubMed 22642865.

NM_022132.5(MCCC2):c.534del (p.Leu178fs)

Gene: MCCC2 (methylcrotonyl-CoA carboxylase subunit 2; plus strand). Cytogenetic location: 5q13.2.
Variant type: Deletion.
Coding change: c.534del on transcript NM_022132.5 (MANE Select); coding-DNA position 534, one base deleted (A; older notation c.534delA).
Protein change: p.Leu178fs; shifts the reading frame from leucine 178.
Molecular consequence: frameshift variant.
Genome position (GRCh38, 1-based): chr5:71,604,378, A deleted. VCF-style (leftmost placement, unchanged base first): chr5-71604377-TA-T. GRCh37 (hg19) VCF-style: chr5-70900204-TA-T.
Other names: c.534del, p.Leu178fs (NM_001363147.1); short protein forms L178fs.
Identifiers: ClinVar variation 4799489 (VCV004799489.1).
Genomic context (GRCh38, chr5:71,604,377, plus strand): 5'-TTCATAGAGATGCTTATGTTTCTCATTTCTTGTCTTCAGTTGATTCGGGAGGAGCATACT[TA>T]CCTCGACAAGCAGATGTGTTTCCAGATCGAGACCACTTTGGCCGTACATTCTATAATCAG-3'